The following is an entry in ClinVar:

NM_005502.4(ABCA1):c.4124C>A (p.Pro1375His)

Genes: ABCA1 (ATP binding cassette subfamily A member 1; minus strand), LOC121331340 (Sharpr-MPRA regulatory region 1797; plus strand). Cytogenetic location: 9q31.1.
Variant type: single nucleotide variant.
Coding change: c.4124C>A on transcript NM_005502.4 (MANE Select); coding-DNA position 4124, C replaced by A.
Protein change: p.Pro1375His; replaces proline 1375 with histidine.
Molecular consequence: missense variant.
Genome position (GRCh38, 1-based): chr9:104,810,851, G>T on the plus strand (C>A on the coding strand, the complement: ABCA1 is on the minus strand). VCF-style: chr9-104810851-G-T. GRCh37 (hg19) VCF-style: chr9-107573132-G-T.
Other names: short protein forms P1375H.
Identifiers: ClinVar variation 1956222 (VCV001956222.5), dbSNP rs1007051944, ClinGen allele CA197375260.

ClinVar aggregate classification (germline): Uncertain significance (1 of 4 stars; one submission).

gnomAD v4.1: 1 of 1,614,196 alleles (0.000062%); no homozygotes.

Submission:

Labcorp Genetics (formerly Invitae), Labcorp
Classification: Uncertain significance. Last evaluated: 2022-05-08. Review status: criteria provided, single submitter. Criteria: Invitae Variant Classification Sherloc (09022015). Collection method: clinical testing. Allele origin: germline.
Comment: This variant is not present in population databases (gnomAD no frequency). This variant has not been reported in the literature in individuals affected with ABCA1-related conditions. Advanced modeling of protein sequence and biophysical properties (such as structural, functional, and spatial information, amino acid conservation, physicochemical variation, residue mobility, and thermodynamic stability) performed at Invitae indicates that this missense variant is expected to disrupt ABCA1 protein function. In summary, the available evidence is currently insufficient to determine the role of this variant in disease. Therefore, it has been classified as a Variant of Uncertain Significance. This sequence change replaces proline, which is neutral and non-polar, with histidine, which is basic and polar, at codon 1375 of the ABCA1 protein (p.Pro1375His).